The following is an entry in ClinVar:

NM_000203.5(IDUA):c.1403-11_1410del

Gene: IDUA (alpha-L-iduronidase; plus strand). Cytogenetic location: 4p16.3.
Variant type: Deletion.
Coding change: c.1403-11_1410del on transcript NM_000203.5 (MANE Select); 11 bases into the intron before coding-DNA position 1403 through coding-DNA position 1410, 19 bases deleted (AGGCCCCGCAGGCCTGGTC).
Molecular consequence: splice acceptor variant.
Genome position (GRCh38, 1-based): chr4:1,003,025-1,003,043, AGGCCCCGCAGGCCTGGTC deleted; deleting any 19 consecutive bases within chr4:1,003,022-1,003,043 gives the same sequence; the c. name uses the placement nearest the transcript's 3' end. VCF-style (leftmost placement, unchanged base first): chr4-1003021-TGTCAGGCCCCGCAGGCCTG-T. GRCh37 (hg19) VCF-style: chr4-996809-TGTCAGGCCCCGCAGGCCTG-T.
Other names: c.1007-11_1014del (NM_001363576.1).
Identifiers: ClinVar variation 5004596 (VCV005004596.1).

ClinVar aggregate classification (germline): Pathogenic (1 of 4 stars; one submission).

Conditions:
Mucopolysaccharidosis type 1. Also called: Mucopolysaccharidosis Type I; IDUA deficiency; MPS I. Identifiers: Orphanet 579, MedGen C0023786, MONDO:0001586.

Submission:

Myriad Genetics, Inc.
Classification: Pathogenic for Mucopolysaccharidosis type 1. Last evaluated: 2026-04-13. Review status: criteria provided, single submitter. Criteria: Myriad Autosomal Dominant, Autosomal Recessive and X-Linked Classification Criteria (2023). Collection method: clinical testing. Allele origin: unknown.
Comment: NM_000203.3(IDUA):c.1403-11_1410del19 is a variant in a canonical splice site classified as pathogenic in the context of mucopolysaccharidosis type I. c.1403-11_1410del19 has not been observed in cases with relevant disease. Relevant functional assessments of this variant are not available in the literature. c.1403-11_1410del19 has not been observed in referenced population frequency databases. In summary, NM_000203.3(IDUA):c.1403-11_1410del19 is a variant in a canonical splice site in a gene where loss of function is a known mechanism of disease and is predicted to disrupt protein function. Please note: this variant was assessed in the context of healthy population screening.